The following is an entry in ClinVar:

NM_001164508.2(NEB):c.3568-15_3568-14insGCCCTCACTCCTCTTTTTTTTTTTTTTTTTTTTTTTTNNNNNNNNNNGACCTCGTGATCCGCCCGCCTCGGCCTCCCAAAGTGCTGGGATTACAGGCGTGAGCCACCGCGCCCGGCC

Gene: NEB (nebulin; minus strand). Cytogenetic location: 2q23.3.
Variant type: Microsatellite.
Coding change: c.3568-15_3568-14insGCCCTCACTCCTCTTTTTTTTTTTTTTTTTTTTTTTTNNNNNNNNNNGACCTCGTGATCCGCCCGCCTCGGCCTCCCAAAGTGCTGGGATTACAGGCGTGAGCCACCGCGCCCGGCC on transcript NM_001164508.2 (MANE Select); 15 bases into the intron before coding-DNA position 3568 through 14 bases into the intron before coding-DNA position 3568, GCCCTCACTCCTCTTTTTTTTTTTTTTTTTTTTTTTTNNNNNNNNNNGACCTCGTGATCCGCCCGCCTCGGCCTCCCAAAGTGCTGGGATTACAGGCGTGAGCCACCGCGCCCGGCC inserted.
Molecular consequence: intron variant.
Genome position: GRCh38: chr2:151,677,786-151,677,802. GRCh37 (hg19): chr2:152,534,300-152,534,316.
Other names: c.3568-15_3568-14insGCCCTCACTCCTCTTTTTTTTTTTTTTTTTTTTTTTTNNNNNNNNNNGACCTCGTGATCCGCCCGCCTCGGCCTCCCAAAGTGCTGGGATTACAGGCGTGAGCCACCGCGCCCGGCC (NM_004543.5, NM_001164507.2, NM_001271208.2).
Identifiers: ClinVar variation 2113667 (VCV002113667.1).

ClinVar aggregate classification (germline): Uncertain significance (1 of 4 stars; one submission).

Conditions:
Nemaline myopathy 2 (NEM2). Also called: Nemaline myopathy 2, autosomal recessive. Identifiers: MedGen C1850569, MONDO:0009725, OMIM 256030.

Submission:

Labcorp Genetics (formerly Invitae), Labcorp
Classification: Uncertain significance for Nemaline myopathy 2. Last evaluated: 2022-08-16. Review status: criteria provided, single submitter. Criteria: Invitae Variant Classification Sherloc (09022015). Collection method: clinical testing. Allele origin: germline.
Comment: This sequence change falls in intron 33 of the NEB gene. It does not directly change the encoded amino acid sequence of the NEB protein. This variant is not present in population databases (gnomAD no frequency). This variant has not been reported in the literature in individuals affected with NEB-related conditions. Experimental studies and prediction algorithms are not available or were not evaluated, and the effect of this variant on mRNA splicing is currently unknown. In summary, the available evidence is currently insufficient to determine the role of this variant in disease. Therefore, it has been classified as a Variant of Uncertain Significance.